The following is an entry in ClinVar:

ClinVar aggregate classification (germline): Uncertain significance (1 of 4 stars; one submission).

Submission:

Ambry Genetics
Classification: Uncertain significance. Last evaluated: 2023-08-04. Review status: criteria provided, single submitter. Criteria: Ambry Variant Classification Scheme 2023. Collection method: clinical testing. Allele origin: germline.
Comment: The p.R115G variant (also known as c.343A>G), located in coding exon 1 of the MLH3 gene, results from an A to G substitution at nucleotide position 343. The arginine at codon 115 is replaced by glycine, an amino acid with dissimilar properties. This amino acid position is conserved. In addition, this alteration is predicted to be tolerated by in silico analysis. Since supporting evidence is limited at this time, the clinical significance of this alteration remains unclear.

NM_001040108.2(MLH3):c.343A>G (p.Arg115Gly)

Gene: MLH3 (mutL homolog 3; minus strand). Cytogenetic location: 14q24.3.
Variant type: single nucleotide variant.
Coding change: c.343A>G on transcript NM_001040108.2 (MANE Select); coding-DNA position 343, A replaced by G.
Protein change: p.Arg115Gly; replaces arginine 115 with glycine.
Molecular consequence: missense variant.
Genome position (GRCh38, 1-based): chr14:75,049,313, T>C on the plus strand (A>G on the coding strand, the complement: MLH3 is on the minus strand). VCF-style: chr14-75049313-T-C. GRCh37 (hg19) VCF-style: chr14-75516016-T-C.
Other names: c.343A>G, p.Arg115Gly (NM_014381.3); short protein forms R115G.
Identifiers: ClinVar variation 2625657 (VCV002625657.2), dbSNP rs2139607738, ClinGen allele CA390450891.
Genomic context (GRCh38, chr14:75,049,313, plus strand): 5'-CTTCACAAGCTTTCAGGGCTTTTCCACTCTGAAACAGTTTCACAAAAGTTTTCATTGTCC[T>C]GTTTTTCTTGGACGAAATTTCCACAGCACTGGCCATGTCAGCAATATTTGCCAAGGCCTC-3'
Protein context (NP_001035197.1, residues 105-125): SAVEISSKKN[Arg115Gly]TMKTFVKLFQ